The following is an entry in ClinVar:

ClinVar aggregate classification (germline): Uncertain significance (1 of 4 stars; one submission).

Conditions:
Cardiovascular phenotype. Identifiers: MedGen CN230736.

Allele frequency attached by ClinVar (database versions not stated): gnomAD exomes below 0.00001.
gnomAD v4.1: 1 of 1,590,232 alleles (0.000063%); highest among the groups gnomAD compares: South Asian, 0.0011%; no homozygotes.

Submission:

Ambry Genetics
Classification: Uncertain significance for Cardiovascular phenotype. Last evaluated: 2022-01-20. Review status: criteria provided, single submitter. Criteria: Ambry Variant Classification Scheme 2023. Collection method: clinical testing. Allele origin: germline.
Comment: The p.R3571* variant (also known as c.10711A>T), located in coding exon 75 of the RYR2 gene, results from an A to T substitution at nucleotide position 10711. This changes the amino acid from an arginine to a stop codon within coding exon 75. This alteration is expected to result in premature protein truncation or nonsense-mediated mRNA decay. However, loss of function of RYR2 has not been clearly established as a mechanism of disease. Since supporting evidence is limited at this time, the clinical significance of this alteration remains unclear.

NM_001035.3(RYR2):c.10711A>T (p.Arg3571Ter)

Gene: RYR2 (ryanodine receptor 2; plus strand). Cytogenetic location: 1q43.
Variant type: single nucleotide variant.
Coding change: c.10711A>T on transcript NM_001035.3 (MANE Select); coding-DNA position 10711, A replaced by T.
Protein change: p.Arg3571Ter; replaces arginine 3571 with a stop codon.
Molecular consequence: nonsense.
Genome position (GRCh38, 1-based): chr1:237,726,294, A>T. VCF-style: chr1-237726294-A-T. GRCh37 (hg19) VCF-style: chr1-237889594-A-T.
Other names: short protein forms R3571*.
Identifiers: ClinVar variation 1783383 (VCV001783383.2), dbSNP rs1178864275, ClinGen allele CA345416733.